The following is an entry in ClinVar:

ClinVar aggregate classification (germline): Uncertain significance (1 of 4 stars; one submission).

Conditions:
Intellectual developmental disorder, X-linked 63. Also called: MENTAL RETARDATION, X-LINKED 68; Intellectual disability, X-linked 63. Identifiers: Orphanet 777, MedGen C1845672, MONDO:0010313, OMIM 300387.

Submission:

Institute of Human Genetics, University of Leipzig Medical Center
Classification: Uncertain significance for Intellectual developmental disorder, X-linked 63. Last evaluated: 2024-06-11. Review status: criteria provided, single submitter. Criteria: ACMG Guidelines, 2015. Collection method: clinical testing. Allele origin: unknown. Affected: yes.
Comment: Criteria applied: PVS1_MOD,PM2

NM_001318510.2(ACSL4):c.1001del (p.Pro334fs)

Gene: ACSL4 (acyl-CoA synthetase long chain family member 4; minus strand). Cytogenetic location: Xq23.
Variant type: Deletion.
Coding change: c.1001del on transcript NM_001318510.2 (MANE Select); coding-DNA position 1001, one base deleted (C; older notation c.1001delC).
Protein change: p.Pro334fs; shifts the reading frame from proline 334.
Molecular consequence: frameshift variant.
Genome position (GRCh38, 1-based): chrX:109,674,403, G deleted on the plus strand (C on the coding strand, the reverse complement: ACSL4 is on the minus strand); the first of 2 consecutive G bases (chrX:109,674,403-109,674,404); deleting either gives the same sequence. VCF-style (leftmost placement, unchanged base first): chrX-109674402-CG-C. GRCh37 (hg19) VCF-style: chrX-108917631-CG-C.
Other names: c.1124del, p.Pro375fs (NM_001318509.2, NM_022977.3); c.1001del, p.Pro334fs (NM_004458.3); short protein forms P334fs, P375fs.
Identifiers: ClinVar variation 3359030 (VCV003359030.2).